The following is an entry in ClinVar:

ClinVar aggregate classification (germline): Uncertain significance. Review status: criteria provided, multiple submitters, no conflicts (2 of 4 stars). 2 submissions from 2 submitters: Uncertain significance (2). Last evaluated 2024-09-04.

Submissions (2):

Blueprint Genetics
Classification: Uncertain significance. Last evaluated: 2024-09-04. Review status: criteria provided, single submitter. Criteria: ACMG Guidelines, 2015. Collection method: clinical testing. Allele origin: germline.

Labcorp Genetics (formerly Invitae), Labcorp
Classification: Uncertain significance. Last evaluated: 2021-01-02. Review status: criteria provided, single submitter. Criteria: Invitae Variant Classification Sherloc (09022015). Collection method: clinical testing. Allele origin: germline.
Comment: In summary, the available evidence is currently insufficient to determine the role of this variant in disease. Therefore, it has been classified as a Variant of Uncertain Significance. Advanced modeling of protein sequence and biophysical properties (such as structural, functional, and spatial information, amino acid conservation, physicochemical variation, residue mobility, and thermodynamic stability) performed at Invitae indicates that this missense variant is not expected to disrupt CNGA3 protein function. This variant has not been reported in the literature in individuals with CNGA3-related conditions. This variant is present in population databases (rs762107596, ExAC 0.01%). This sequence change replaces alanine with proline at codon 28 of the CNGA3 protein (p.Ala28Pro). The alanine residue is weakly conserved and there is a small physicochemical difference between alanine and proline.

NM_001298.3(CNGA3):c.82G>C (p.Ala28Pro)

Gene: CNGA3 (cyclic nucleotide gated channel subunit alpha 3; plus strand). Cytogenetic location: 2q11.2.
Variant type: single nucleotide variant.
Coding change: c.82G>C on transcript NM_001298.3 (MANE Select); coding-DNA position 82, G replaced by C.
Protein change: p.Ala28Pro; replaces alanine 28 with proline.
Molecular consequence: missense variant.
Genome position (GRCh38, 1-based): chr2:98,370,057, G>C. VCF-style: chr2-98370057-G-C. GRCh37 (hg19) VCF-style: chr2-98986520-G-C.
Other names: c.82G>C, p.Ala28Pro (NM_001079878.2); short protein forms A28P.
Identifiers: ClinVar variation 1493807 (VCV001493807.8), dbSNP rs762107596, ClinGen allele CA1793553.